The following is an entry in ClinVar:

ClinVar aggregate classification (germline): Uncertain significance (1 of 4 stars; one submission).

Conditions:
Hereditary cancer-predisposing syndrome. Also called: Tumor predisposition; Neoplastic Syndromes, Hereditary; Hereditary neoplastic syndrome; Hereditary Cancer Syndrome. Identifiers: Orphanet 140162, MedGen C0027672, MeSH D009386, MONDO:0015356.

Submission:

Ambry Genetics
Classification: Uncertain significance for Hereditary cancer-predisposing syndrome. Last evaluated: 2025-08-27. Review status: criteria provided, single submitter. Criteria: Ambry Variant Classification Scheme 2023. Collection method: clinical testing. Allele origin: germline.
Comment: The p.I387M variant (also known as c.1161T>G), located in coding exon 12 of the MUTYH gene, results from a T to G substitution at nucleotide position 1161. The isoleucine at codon 387 is replaced by methionine, an amino acid with highly similar properties. This amino acid position is conserved. In addition, this alteration is predicted to be tolerated by in silico analysis. Based on the available evidence, the clinical significance of this variant remains unclear.

NM_001048174.2(MUTYH):c.1077T>G (p.Ile359Met)

Gene: MUTYH (mutY DNA glycosylase; minus strand). Cytogenetic location: 1p34.1.
Variant type: single nucleotide variant.
Coding change: c.1077T>G on transcript NM_001048174.2 (MANE Select); coding-DNA position 1077, T replaced by G.
Protein change: p.Ile359Met; replaces isoleucine 359 with methionine.
Molecular consequence: missense variant. On other transcripts: non-coding transcript variant (7).
Genome position (GRCh38, 1-based): chr1:45,331,686, A>C on the plus strand (T>G on the coding strand, the complement: MUTYH is on the minus strand). VCF-style: chr1-45331686-A-C. GRCh37 (hg19) VCF-style: chr1-45797358-A-C.
Other names: c.1077T>G, p.Ile359Met (NM_001407070.1, NM_001407072.1, NM_001407073.1 and 6 more transcripts); c.1080T>G, p.Ile360Met (NM_001407071.1, NM_001407078.1, NM_001048172.2 and 1 more transcripts); c.993T>G, p.Ile331Met (NM_001407075.1); c.1110T>G, p.Ile370Met (NM_001407077.1, NM_001293191.2, NM_001407069.1); c.1038T>G, p.Ile346Met (NM_001407079.1); c.1161T>G, p.Ile387Met (NM_001128425.2); c.1122T>G, p.Ile374Met (NM_001293190.2); c.801T>G, p.Ile267Met (NM_001293192.2, NM_001293196.2, NM_001407091.1); and 5 more; short protein forms I346M, I370M, I267M, I345M, I374M, I244M, I360M, I366M.
Identifiers: ClinVar variation 4113069 (VCV004113069.1).
Genomic context (GRCh38, chr1:45,331,686, plus strand): 5'-CATGCCACTGCCCTCCACGCCCAGTATCCAGGTACCTGAGTTGGGCCTCTGCACCAGCAG[A>C]ATTTGGGCCCCAAGGGCCCCAGGCTGTTCCAGAACACAGGTGGCAGAGCTCTCCTCCCTG-3'
Protein context (NP_001041639.1, residues 349-369): LEQPGALGAQ[Ile359Met]LLVQRPNSGL